The following is an entry in ClinVar:

ClinVar aggregate classification (germline): Uncertain significance. Review status: criteria provided, multiple submitters, no conflicts (2 of 4 stars). 2 submissions from 2 submitters: Uncertain significance (2). Last evaluated 2025-05-29.

Conditions:
Familial thoracic aortic aneurysm and aortic dissection (TAAD). Also called: Thoracic aortic aneurysms and dissections. Identifiers: Orphanet 91387, MedGen C4707243, MONDO:0019625.

gnomAD v4.1: 5 of 1,614,002 alleles (0.00031%); highest among the groups gnomAD compares: South Asian, 0.0055%; no homozygotes.

Submissions (2):

Labcorp Genetics (formerly Invitae), Labcorp
Classification: Uncertain significance for Familial thoracic aortic aneurysm and aortic dissection. Last evaluated: 2025-05-29. Review status: criteria provided, single submitter. Criteria: Invitae Variant Classification Sherloc (09022015). Collection method: clinical testing. Allele origin: germline.
Comment: This sequence change replaces lysine, which is basic and polar, with arginine, which is basic and polar, at codon 124 of the TGFBR2 protein (p.Lys124Arg). This variant is present in population databases (rs776374040, gnomAD 0.01%). This variant has not been reported in the literature in individuals affected with TGFBR2-related conditions. ClinVar contains an entry for this variant (Variation ID: 3325725). Invitae Evidence Modeling of protein sequence and biophysical properties (such as structural, functional, and spatial information, amino acid conservation, physicochemical variation, residue mobility, and thermodynamic stability) indicates that this missense variant is not expected to disrupt TGFBR2 protein function with a negative predictive value of 95%. In summary, the available evidence is currently insufficient to determine the role of this variant in disease. Therefore, it has been classified as a Variant of Uncertain Significance.

Ambry Genetics
Classification: Uncertain significance for Familial thoracic aortic aneurysm and aortic dissection. Last evaluated: 2024-03-25. Review status: criteria provided, single submitter. Criteria: Ambry Variant Classification Scheme 2023. Collection method: clinical testing. Allele origin: germline.

NM_003242.6(TGFBR2):c.371A>G (p.Lys124Arg)

Gene: TGFBR2 (transforming growth factor beta receptor 2; plus strand). Cytogenetic location: 3p24.1.
Variant type: single nucleotide variant.
Coding change: c.371A>G on transcript NM_003242.6 (MANE Select); coding-DNA position 371, A replaced by G.
Protein change: p.Lys124Arg; replaces lysine 124 with arginine.
Molecular consequence: missense variant. On other transcripts: intron variant (2).
Genome position (GRCh38, 1-based): chr3:30,650,377, A>G. VCF-style: chr3-30650377-A-G. GRCh37 (hg19) VCF-style: chr3-30691869-A-G.
Other names: c.446A>G, p.Lys149Arg (NM_001024847.3, NM_001407126.1, NM_001407139.1); c.371A>G, p.Lys124Arg (NM_001407127.1, NM_001407130.1); c.398A>G, p.Lys133Arg (NM_001407128.1); c.266A>G, p.Lys89Arg (NM_001407129.1, NM_001407132.1, NM_001407133.1 and 3 more transcripts); c.170-21261A>G (NM_001407137.1); c.95-21261A>G (NM_001407138.1); short protein forms K89R, K124R, K133R, K149R.
Identifiers: ClinVar variation 3325725 (VCV003325725.2).